The following is an entry in ClinVar:

NM_001322934.2(NFKB2):c.1883C>T (p.Ala628Val)

Gene: NFKB2 (nuclear factor kappa B subunit 2; plus strand). Cytogenetic location: 10q24.32.
Variant type: single nucleotide variant.
Coding change: c.1883C>T on transcript NM_001322934.2 (MANE Select); coding-DNA position 1883, C replaced by T.
Protein change: p.Ala628Val; replaces alanine 628 with valine.
Molecular consequence: missense variant.
Genome position (GRCh38, 1-based): chr10:102,400,739, C>T. VCF-style: chr10-102400739-C-T. GRCh37 (hg19) VCF-style: chr10-104160496-C-T.
Other names: c.1883C>T, p.Ala628Val (NM_001077494.3, NM_001261403.3, NM_001288724.1 and 1 more transcripts); c.1757C>T, p.Ala586Val (NM_001322935.1); short protein forms A586V, A628V.
Identifiers: ClinVar variation 1401962 (VCV001401962.8), dbSNP rs2061220592, ClinGen allele CA377902835.

ClinVar aggregate classification (germline): Uncertain significance (1 of 4 stars; one submission).

Conditions:
Immunodeficiency, common variable, 10. Also called: IMMUNODEFICIENCY, COMMON VARIABLE, WITH CENTRAL ADRENAL INSUFFICIENCY; DEFICIT IN ANTERIOR PITUITARY FUNCTION AND VARIABLE IMMUNODEFICIENCY. Identifiers: MedGen C3809991, MONDO:0014260, OMIM 615577.

Allele frequency attached by ClinVar (database versions not stated): TOPMed below 0.00001.

Submission:

Labcorp Genetics (formerly Invitae), Labcorp
Classification: Uncertain significance for Immunodeficiency, common variable, 10. Last evaluated: 2024-08-08. Review status: criteria provided, single submitter. Criteria: Invitae Variant Classification Sherloc (09022015). Collection method: clinical testing. Allele origin: germline.
Comment: This sequence change replaces alanine, which is neutral and non-polar, with valine, which is neutral and non-polar, at codon 628 of the NFKB2 protein (p.Ala628Val). This variant is not present in population databases (gnomAD no frequency). This variant has not been reported in the literature in individuals affected with NFKB2-related conditions. ClinVar contains an entry for this variant (Variation ID: 1401962). An algorithm developed to predict the effect of missense changes on protein structure and function (PolyPhen-2) suggests that this variant is likely to be disruptive. In summary, the available evidence is currently insufficient to determine the role of this variant in disease. Therefore, it has been classified as a Variant of Uncertain Significance.